The following is an entry in ClinVar:

NM_014467.3(SRPX2):c.256C>T (p.Arg86Cys)

Gene: SRPX2 (sushi repeat containing protein X-linked 2; plus strand). Cytogenetic location: Xq22.1.
Variant type: single nucleotide variant.
Coding change: c.256C>T on transcript NM_014467.3 (MANE Select); coding-DNA position 256, C replaced by T.
Protein change: p.Arg86Cys; replaces arginine 86 with cysteine.
Molecular consequence: missense variant.
Genome position (GRCh38, 1-based): chrX:100,662,268, C>T. VCF-style: chrX-100662268-C-T. GRCh37 (hg19) VCF-style: chrX-99917265-C-T.
Other names: p.R86C:CGT>TGT; short protein forms R86C.
Identifiers: ClinVar variation 207399 (VCV000207399.2), dbSNP rs796053347, ClinGen allele CA318823.
Genomic context (GRCh38, chrX:100,662,268, plus strand): 5'-GATGGAGAAGCCACATGCTACTCACCGAAGGGAGGAAATTATCACAGCAGCCTGGGCACG[C>T]GTTGTGAGCTCTCCTGTGACCGGGGCTTTCGATTGATTGGAAGGAGGTCGGTGCAATGCC-3'
Protein context (NP_055282.1, residues 76-96): GGNYHSSLGT[Arg86Cys]CELSCDRGFR

ClinVar aggregate classification (germline): Uncertain significance (1 of 4 stars; one submission).

Allele frequency attached by ClinVar (database versions not stated): TOPMed 0.00001.

Submission:

GeneDx
Classification: Uncertain significance. Last evaluated: 2014-07-25. Review status: criteria provided, single submitter. Criteria: GeneDx Variant Classification (06012015). Collection method: clinical testing. Allele origin: germline. Affected: yes.
Comment: p.Arg86Cys (CGT>TGT): c.256 C>T in exon 4 of the SRPX2 gene (NM_014467.2) A variant of unknown significance has been identified in the SRPX2 gene. The R86C variant has not been published as a mutation, nor has it been reported as a benign polymorphism to our knowledge. It was not observed in approximately 6,500 individuals of European and African American ancestry in the NHLBI Exome Sequencing Project, indicating it is not a common benign variant in these populations. The R86C variant is a non-conservative amino acid substitution, which is likely to impact secondary protein structure as these residues differ in polarity, charge, size and/or other properties. This substitution alters a conserved position in the predicted Sushi 1 domain of the SRPX2 protein, and in silico analysis predicts this variant is probably damaging to the protein structure/function. Based on the currently available information, it is unclear whether this variant is a pathogenic mutation or a rare benign variant. The variant is found in EPILEPSY panel(s).